The following is an entry in ClinVar:

NM_144596.4(TTC8):c.103C>T (p.Pro35Ser)

Gene: TTC8 (tetratricopeptide repeat domain 8; plus strand). Cytogenetic location: 14q31.3.
Variant type: single nucleotide variant.
Coding change: c.103C>T on transcript NM_144596.4 (MANE Select); coding-DNA position 103, C replaced by T.
Protein change: p.Pro35Ser; replaces proline 35 with serine.
Molecular consequence: missense variant. On other transcripts: non-coding transcript variant (1), 5 prime UTR variant (2).
Genome position (GRCh38, 1-based): chr14:88,824,810, C>T. VCF-style: chr14-88824810-C-T. GRCh37 (hg19) VCF-style: chr14-89291154-C-T.
Other names: c.103C>T, p.Pro35Ser (NM_001366535.2, NM_001366536.2, NM_198309.3 and 2 more transcripts); c.-460C>T (NM_001288782.1); c.-555C>T (NM_001288783.1); short protein forms P35S.
Identifiers: ClinVar variation 1406534 (VCV001406534.7), dbSNP rs762461640, ClinGen allele CA7302323.

ClinVar aggregate classification (germline): Uncertain significance (1 of 4 stars; one submission).

Conditions:
Bardet-Biedl syndrome (BBS). Identifiers: Orphanet 110, MedGen C0752166, MONDO:0015229.

Allele frequency attached by ClinVar (database versions not stated): gnomAD exomes below 0.00001 and 0.00001; ExAC 0.00001.
gnomAD v4.1: 6 of 1,613,180 alleles (0.00037%); highest among the groups gnomAD compares: South Asian, 0.0011%; no homozygotes.

Submission:

Labcorp Genetics (formerly Invitae), Labcorp
Classification: Uncertain significance for Bardet-Biedl syndrome. Last evaluated: 2024-02-23. Review status: criteria provided, single submitter. Criteria: Invitae Variant Classification Sherloc (09022015). Collection method: clinical testing. Allele origin: germline.
Comment: This sequence change replaces proline, which is neutral and non-polar, with serine, which is neutral and polar, at codon 35 of the TTC8 protein (p.Pro35Ser). This variant is present in population databases (rs762461640, gnomAD 0.003%). This variant has not been reported in the literature in individuals affected with TTC8-related conditions. ClinVar contains an entry for this variant (Variation ID: 1406534). Advanced modeling of protein sequence and biophysical properties (such as structural, functional, and spatial information, amino acid conservation, physicochemical variation, residue mobility, and thermodynamic stability) performed at Invitae indicates that this missense variant is not expected to disrupt TTC8 protein function with a negative predictive value of 80%. In summary, the available evidence is currently insufficient to determine the role of this variant in disease. Therefore, it has been classified as a Variant of Uncertain Significance.